The following is an entry in ClinVar:

NM_020738.4(KIDINS220):c.3917G>A (p.Arg1306His)

Gene: KIDINS220 (kinase D interacting substrate 220; minus strand). Cytogenetic location: 2p25.1.
Variant type: single nucleotide variant.
Coding change: c.3917G>A on transcript NM_020738.4 (MANE Select); coding-DNA position 3917, G replaced by A.
Protein change: p.Arg1306His; replaces arginine 1306 with histidine.
Molecular consequence: missense variant. On other transcripts: non-coding transcript variant (2).
Genome position (GRCh38, 1-based): chr2:8,733,580, C>T on the plus strand (G>A on the coding strand, the complement: KIDINS220 is on the minus strand). VCF-style: chr2-8733580-C-T. GRCh37 (hg19) VCF-style: chr2-8873710-C-T.
Other names: c.3920G>A, p.Arg1307His (NM_001348729.2); c.3863G>A, p.Arg1288His (NM_001348731.2); c.3860G>A, p.Arg1287His (NM_001348732.2, NM_001348738.2); c.3749G>A, p.Arg1250His (NM_001348734.2, NM_001348739.2, NM_001348740.2); c.3746G>A, p.Arg1249His (NM_001348735.2, NM_001348741.2, NM_001348742.2 and 1 more transcripts); c.3620G>A, p.Arg1207His (NM_001348736.2); short protein forms R1249H, R1250H, R1306H, R1207H, R1287H, R1288H, R1307H.
Identifiers: ClinVar variation 1938339 (VCV001938339.5), dbSNP rs1440254595, ClinGen allele CA345767262.

ClinVar aggregate classification (germline): Uncertain significance (1 of 4 stars; one submission).

Allele frequency attached by ClinVar (database versions not stated): TOPMed below 0.00001; gnomAD 0.00001.

Submission:

Labcorp Genetics (formerly Invitae), Labcorp
Classification: Uncertain significance. Last evaluated: 2022-08-19. Review status: criteria provided, single submitter. Criteria: Invitae Variant Classification Sherloc (09022015). Collection method: clinical testing. Allele origin: germline.
Comment: This sequence change replaces arginine, which is basic and polar, with histidine, which is basic and polar, at codon 1306 of the KIDINS220 protein (p.Arg1306His). This variant is present in population databases (no rsID available, gnomAD 0.003%). This variant has not been reported in the literature in individuals affected with KIDINS220-related conditions. Algorithms developed to predict the effect of missense changes on protein structure and function output the following: SIFT: "Deleterious"; PolyPhen-2: "Benign"; Align-GVGD: "Class C0". The histidine amino acid residue is found in multiple mammalian species, which suggests that this missense change does not adversely affect protein function. In summary, the available evidence is currently insufficient to determine the role of this variant in disease. Therefore, it has been classified as a Variant of Uncertain Significance.